The following is an entry in ClinVar:

ClinVar aggregate classification (germline): Uncertain significance (1 of 4 stars; one submission).

Conditions:
Maturity-onset diabetes of the young (MODY). Also called: Maturity onset diabetes mellitus in young. Identifiers: Orphanet 552, MedGen C0342276, MONDO:0018911, HP:0004904.

gnomAD v4.1: 1 of 1,613,968 alleles (0.000062%); highest among the groups gnomAD compares: Non-Finnish European, 0.000085%; no homozygotes.

Submission:

Ambry Genetics
Classification: Uncertain significance for Maturity-onset diabetes of the young. Last evaluated: 2025-11-12. Review status: criteria provided, single submitter. Criteria: Ambry Variant Classification Scheme 2023. Collection method: clinical testing. Allele origin: germline.
Comment: The c.1243G>C (p.G415R) alteration is located in exon 6 (coding exon 6) of the HNF1A gene. This alteration results from a G to C substitution at nucleotide position 1243, causing the glycine (G) at amino acid position 415 to be replaced by an arginine (R). Based on data from gnomAD, the C allele has an overall frequency of <0.001% (1/251224) total alleles studied. The highest observed frequency was 0.001% (1/113594) of European (non-Finnish) alleles. This variant was reported in individual(s) with features consistent with HNF1A-related maturity-onset diabetes of the young, as well as individual(s) without diabetes (Yoshiuchi, 1999; Elashi, 2022). Functional studies suggest this variant results in reduced transactivation and DNA binding activities; however, the physiological relevance of these findings are unclear (Yoshiuchi, 1999). Based on insufficient or conflicting evidence, the clinical significance of this alteration remains unclear.

Literature cited by the submitters: PubMed 10333057; PubMed 24097065; PubMed 36613572.

NM_000545.8(HNF1A):c.1243G>C (p.Gly415Arg)

Gene: HNF1A (HNF1 homeobox A; plus strand). Cytogenetic location: 12q24.31.
Variant type: single nucleotide variant.
Coding change: c.1243G>C on transcript NM_000545.8 (MANE Select); coding-DNA position 1243, G replaced by C.
Protein change: p.Gly415Arg; replaces glycine 415 with arginine.
Molecular consequence: missense variant.
Genome position (GRCh38, 1-based): chr12:120,996,676, G>C. VCF-style: chr12-120996676-G-C. GRCh37 (hg19) VCF-style: chr12-121434479-G-C.
Other names: c.1243G>C, p.Gly415Arg (NM_001306179.2, NM_001406915.1); short protein forms G415R.
Identifiers: ClinVar variation 4562291 (VCV004562291.1).